The following is an entry in ClinVar:

NM_006440.5(TXNRD2):c.172+2del

Gene: TXNRD2 (thioredoxin reductase 2; minus strand). Cytogenetic location: 22q11.21.
Variant type: Deletion.
Coding change: c.172+2del on transcript NM_006440.5 (MANE Select); the canonical splice donor site of the intron after coding-DNA position 172, one base deleted (T; older notation c.172+2delT).
Molecular consequence: splice donor variant.
Genome position (GRCh38, 1-based): chr22:19,931,028, A deleted on the plus strand (T on the coding strand, the reverse complement: TXNRD2 is on the minus strand). VCF-style (leftmost placement, unchanged base first): chr22-19931027-TA-T. GRCh37 (hg19) VCF-style: chr22-19918550-TA-T.
Other names: c.169+2del (NM_001352300.2); c.-117+2del (NM_001352302.2); c.82+2del (NM_001352301.2); c.172+2del (NM_001282512.3); c.76+2del (NM_001352303.2).
Identifiers: ClinVar variation 1778741 (VCV001778741.2), dbSNP rs2517421679, ClinGen allele CA2580099120.

ClinVar aggregate classification (germline): Uncertain significance (1 of 4 stars; one submission).

Conditions:
Cardiovascular phenotype. Identifiers: MedGen CN230736.

Allele frequency attached by ClinVar (database versions not stated): gnomAD exomes below 0.00001.

Submission:

Ambry Genetics
Classification: Uncertain significance for Cardiovascular phenotype. Last evaluated: 2019-10-04. Review status: criteria provided, single submitter. Criteria: Ambry Variant Classification Scheme 2023. Collection method: clinical testing. Allele origin: germline.
Comment: The c.172+2delT intronic variant is located two nucleotides after coding exon 2 of the TXNRD2 gene. This variant results from a deletion of one nucleotide at position c.172+2. This nucleotide position is highly conserved in available vertebrate species. Using the BDGP and ESEfinder splice site prediction tools, this alteration is predicted to abolish the native splice donor site; however, direct evidence is unavailable. Alterations that disrupt the canonical splice site are expected to cause aberrant splicing, resulting in an abnormal protein or a transcript that is subject to nonsense-mediated mRNA decay. However, loss of function of TXNRD2 has not been clearly established as a mechanism of disease. Since supporting evidence is limited at this time, the clinical significance of this alteration remains unclear.